The following is an entry in ClinVar:

NM_006563.5(KLF1):c.100G>T (p.Glu34Ter)

Genes: KLF1 (KLF transcription factor 1; minus strand), LOC117125592 (CRISPRi-FlowFISH-validated CALR, DHPS, JUNB, PRDX2, RAD23A, RNASEH2A and WDR83OS regulatory element; plus strand). Cytogenetic location: 19p13.13.
Variant type: single nucleotide variant.
Coding change: c.100G>T on transcript NM_006563.5 (MANE Select); coding-DNA position 100, G replaced by T.
Protein change: p.Glu34Ter; replaces glutamic acid 34 with a stop codon.
Molecular consequence: nonsense.
Genome position (GRCh38, 1-based): chr19:12,886,130, C>A on the plus strand (G>T on the coding strand, the complement: KLF1 is on the minus strand). VCF-style: chr19-12886130-C-A. GRCh37 (hg19) VCF-style: chr19-12996944-C-A.
Other names: short protein forms E34*.
Identifiers: ClinVar variation 4999413 (VCV004999413.1).
Genomic context (GRCh38, chr19:12,886,130, plus strand): 5'-TCACGTGGAGGGGCGGCTCCGTGGGGTCAGGAGGACCCGGGCCCATGTCCTGCGCCTCTT[C>A]GGAGCGCCACCACTGCGGGAGGGAGCAGGCAGCTCGAGGTTCGGTGGACACTGGGGTGCC-3'

ClinVar aggregate classification (germline): Uncertain significance (1 of 4 stars; one submission).

Conditions:
KLF1-related disorder. Also called: KLF1-Related Disorders; KLF1-related condition.

Submission:

PreventionGenetics, part of Exact Sciences
Classification: Uncertain significance for KLF1-related condition. Last evaluated: 2025-08-05. Review status: criteria provided, single submitter. Criteria: ACMG Guidelines, 2015. Collection method: clinical testing. Allele origin: germline.
Comment: The KLF1 c.100G>T variant is predicted to result in premature protein termination (p.Glu34*). To our knowledge, this variant has not been reported in the literature or in a large population database (gnomAD), indicating this variant is rare. Loss of function has not been conclusively established as a mechanism for KLF1-related disorders. Although we suspect that this variant may be pathogenic, at this time, the clinical significance of this variant is uncertain due to the absence of conclusive functional and genetic evidence.